The following is an entry in ClinVar:

NM_014795.4(ZEB2):c.1038_1039del (p.Asn346fs)

Gene: ZEB2 (zinc finger E-box binding homeobox 2; minus strand). Cytogenetic location: 2q22.3.
Variant type: Deletion.
Coding change: c.1038_1039del on transcript NM_014795.4 (MANE Select); coding-DNA positions 1038 to 1039, 2 bases deleted (CA; older notation c.1038_1039delCA).
Protein change: p.Asn346fs; shifts the reading frame from asparagine 346.
Molecular consequence: frameshift variant.
Genome position (GRCh38, 1-based): chr2:144,400,148-144,400,149, TG deleted on the plus strand (CA on the coding strand, the reverse complement: ZEB2 is on the minus strand); deleting any 2 consecutive bases within chr2:144,400,148-144,400,150 gives the same sequence; the c. name uses the placement nearest the transcript's 3' end. VCF-style (leftmost placement, unchanged base first): chr2-144400147-TTG-T. GRCh37 (hg19) VCF-style: chr2-145157714-TTG-T.
Other names: c.966_967del, p.Asn322fs (NM_001171653.2); short protein forms N322fs, N346fs.
Identifiers: ClinVar variation 1074356 (VCV001074356.7), dbSNP rs2149877500, ClinGen allele CA2499214972.
Genomic context (GRCh38, chr2:144,400,147, plus strand): 5'-GTAATGGCTGAATTAGTAGGAGAAGAAGAAACAGAATTAGGGGAAGAACCCGTCTTGATA[TTG>T]TTTCTCATTCGGCCATTTACAGAGATTAAACCAATACATTTCTTGCTGCTGATGTGCGAA-3'

ClinVar aggregate classification (germline): Pathogenic (1 of 4 stars; one submission).

Conditions:
Mowat-Wilson syndrome (MOWS). Also called: Classic Mowat-Wilson Syndrome. Identifiers: Orphanet 2152, MedGen C1856113, MONDO:0009341, OMIM 235730.

Submission:

Labcorp Genetics (formerly Invitae), Labcorp
Classification: Pathogenic for Mowat-Wilson syndrome. Last evaluated: 2020-03-17. Review status: criteria provided, single submitter. Criteria: Invitae Variant Classification Sherloc (09022015). Collection method: clinical testing. Allele origin: germline.
Comment: This sequence change creates a premature translational stop signal (p.Asn346Lysfs*9) in the ZEB2 gene. It is expected to result in an absent or disrupted protein product. This variant is not present in population databases (ExAC no frequency). This variant has not been reported in the literature in individuals with ZEB2-related conditions. Loss-of-function variants in ZEB2 are known to be pathogenic (PMID: 16053902). For these reasons, this variant has been classified as Pathogenic.

Literature cited by the submitters: PubMed 16053902.